The following is an entry in ClinVar:

NM_000551.4(VHL):c.340+719A>G

Genes: VHL (von Hippel-Lindau tumor suppressor; plus strand), LOC107303340 (3p25 von Hippel-Lindau tumor suppressor, E3 ubiquitin protein ligase Alu-mediated recombination region; plus strand). Cytogenetic location: 3p25.3.
Variant type: single nucleotide variant.
Coding change: c.340+719A>G on transcript NM_000551.4 (MANE Select); 719 bases into the intron after coding-DNA position 340, A replaced by G.
Molecular consequence: intron variant. On other transcripts: missense variant (1), non-coding transcript variant (1).
Genome position (GRCh38, 1-based): chr3:10,142,906, A>G. VCF-style: chr3-10142906-A-G. GRCh37 (hg19) VCF-style: chr3-10184590-A-G.
Other names: c.484A>G, p.Lys162Glu (NM_001354723.2); c.340+719A>G (NM_198156.3); short protein forms K162E.
Identifiers: ClinVar variation 4793782 (VCV004793782.1).

ClinVar aggregate classification (germline): Uncertain significance (1 of 4 stars; one submission).

Conditions:
Chuvash polycythemia. Also called: POLYCYTHEMIA, VHL-DEPENDENT. Identifiers: Orphanet 238557, MedGen C1837915, MONDO:0009892, OMIM 263400.
Von Hippel-Lindau syndrome (VHLS). Also called: von Hippel–Lindau syndrome; VHL syndrome; Von Hippel-Lindau. Identifiers: Orphanet 892, MedGen C0019562, MONDO:0008667, OMIM 193300. Disease mechanism: loss of function.

Submission:

Labcorp Genetics (formerly Invitae), Labcorp
Classification: Uncertain significance for Von Hippel-Lindau syndrome; Chuvash polycythemia. Last evaluated: 2025-02-12. Review status: criteria provided, single submitter. Criteria: Invitae Variant Classification Sherloc (09022015). Collection method: clinical testing. Allele origin: germline.
Comment: This sequence change falls in intron 1 of the VHL gene. It is not expected to change the encoded amino acid sequence of the VHL protein. However, this sequence change falls within a cryptic exon in the VHL gene, known as exon E1’, which is naturally expressed at low levels in several human tissues (PMID: 29891534). This variant is not present in population databases (gnomAD no frequency). This variant has not been reported in the literature in individuals affected with VHL-related conditions. Algorithms developed to predict the effect of sequence changes on RNA splicing suggest that this variant is not likely to affect RNA splicing. In summary, the available evidence is currently insufficient to determine the role of this variant in disease. Therefore, it has been classified as a Variant of Uncertain Significance.

Literature cited by the submitters: PubMed 29891534.